The following is an entry in ClinVar:

ClinVar aggregate classification (germline): Uncertain significance (1 of 4 stars; one submission).

gnomAD v4.1: 16 of 1,614,084 alleles (0.00099%); highest among the groups gnomAD compares: Non-Finnish European, 0.0014%; no homozygotes.

Submission:

Labcorp Genetics (formerly Invitae), Labcorp
Classification: Uncertain significance. Last evaluated: 2024-06-17. Review status: criteria provided, single submitter. Criteria: Invitae Variant Classification Sherloc (09022015). Collection method: clinical testing. Allele origin: germline.
Comment: This sequence change replaces glutamic acid, which is acidic and polar, with glutamine, which is neutral and polar, at codon 553 of the KARS protein (p.Glu553Gln). This variant is present in population databases (no rsID available, gnomAD 0.007%). This missense change has been observed in individual(s) with clinical features of Leigh syndrome (Invitae). In at least one individual the data is consistent with being in trans (on the opposite chromosome) from a pathogenic variant. ClinVar contains an entry for this variant (Variation ID: 1924151). Advanced modeling of protein sequence and biophysical properties (such as structural, functional, and spatial information, amino acid conservation, physicochemical variation, residue mobility, and thermodynamic stability) performed at Invitae indicates that this missense variant is expected to disrupt KARS protein function with a positive predictive value of 80%. In summary, the available evidence is currently insufficient to determine the role of this variant in disease. Therefore, it has been classified as a Variant of Uncertain Significance.

NM_005548.3(KARS1):c.1573G>C (p.Glu525Gln)

Gene: KARS1 (lysyl-tRNA synthetase 1; minus strand). Cytogenetic location: 16q23.1.
Variant type: single nucleotide variant.
Coding change: c.1573G>C on transcript NM_005548.3 (MANE Select); coding-DNA position 1573, G replaced by C.
Protein change: p.Glu525Gln; replaces glutamic acid 525 with glutamine.
Molecular consequence: missense variant.
Genome position (GRCh38, 1-based): chr16:75,628,691, C>G on the plus strand (G>C on the coding strand, the complement: KARS1 is on the minus strand). VCF-style: chr16-75628691-C-G. GRCh37 (hg19) VCF-style: chr16-75662589-C-G.
Other names: c.1657G>C, p.Glu553Gln (NM_001130089.2); c.1105G>C, p.Glu369Gln (NM_001378148.1); short protein forms E525Q, E369Q, E553Q.
Identifiers: ClinVar variation 1924151 (VCV001924151.5), dbSNP rs770522582, ClinGen allele CA284315973.
Genomic context (GRCh38, chr16:75,628,691, plus strand): 5'-CTGTGGGGGGCAGCCCATATTCCAGGGCAGTACAGAAGTTTTCATCTATGAACATGGCCT[C>G]ATCATCACCTGCAGCCTTGGCCTAGAAGAGGAAAGAGAACCAAAAGGTGACCTTCTTCTA-3'
Protein context (NP_005539.1, residues 515-535): QAKAKAAGDD[Glu525Gln]AMFIDENFCT